The following is an entry in ClinVar:

NM_181332.3(NLGN4X):c.50T>C (p.Val17Ala)

Gene: NLGN4X (neuroligin 4 X-linked; minus strand). Cytogenetic location: Xp22.31.
Variant type: single nucleotide variant.
Coding change: c.50T>C on transcript NM_181332.3 (MANE Select); coding-DNA position 50, T replaced by C.
Protein change: p.Val17Ala; replaces valine 17 with alanine.
Molecular consequence: missense variant.
Genome position (GRCh38, 1-based): chrX:6,151,417, A>G on the plus strand (T>C on the coding strand, the complement: NLGN4X is on the minus strand). VCF-style: chrX-6151417-A-G. GRCh37 (hg19) VCF-style: chrX-6069458-A-G.
Other names: c.50T>C, p.Val17Ala (NM_001282145.2, NM_001282146.2, NM_020742.4); short protein forms V17A.
Identifiers: ClinVar variation 432280 (VCV000432280.2), dbSNP rs1343544501, ClinGen allele CA412015581.
Genomic context (GRCh38, chrX:6,151,417, plus strand): 5'-GTGAACTTGATGGCAAGAGCAGTTAACCACAGGAGGACATTGGAGTTTAACATGACGCAG[A>G]CCGGGGTGAACAACAAAGGAAGCCATAGCAGTCCCTGGGGCCGTGACATGGTTCAAATCT-3'
Protein context (NP_851849.1, residues 7-27): LLWLPLLFTP[Val17Ala]CVMLNSNVLL

ClinVar aggregate classification (germline): Uncertain significance (1 of 4 stars; one submission).

Allele frequency attached by ClinVar (database versions not stated): gnomAD exomes below 0.00001 and 0.00001.
gnomAD v4.1: 1 of 1,211,447 alleles (0.000083%); highest among the groups gnomAD compares: Admixed American, 0.0022%; no homozygotes.

Submission:

GeneDx
Classification: Uncertain significance. Last evaluated: 2017-05-31. Review status: criteria provided, single submitter. Criteria: GeneDx Variant Classification (06012015). Collection method: clinical testing. Allele origin: germline. Affected: yes.
Comment: The V17A variant in the NLGN4X gene has not been reported previously as a pathogenic variant, nor as a benign variant, to our knowledge. The V17A variant is not observed in large population cohorts (Lek et al., 2016; 1000 Genomes Consortium et al., 2015; Exome Variant Server). The V17A variant is a conservative amino acid substitution, which is not likely to impact secondary protein structure as these residues share similar properties. This substitution occurs at a position that is not conserved, and in silico analysis predicts this variant likely does not alter the protein structure/function. We interpret V17A as a variant of uncertain significance.